The following is an entry in ClinVar:

ClinVar aggregate classification (germline): Likely pathogenic (1 of 4 stars; one submission).

Conditions:
CTNND1-related disorder. Also called: CTNND1-related condition.

Submission:

PreventionGenetics, part of Exact Sciences
Classification: Likely pathogenic for CTNND1-related condition. Last evaluated: 2025-08-14. Review status: criteria provided, single submitter. Criteria: ACMG Guidelines, 2015. Collection method: clinical testing. Allele origin: germline.
Comment: The CTNND1 c.1604+1G>A variant is predicted to disrupt the GT donor site and interfere with normal splicing. To our knowledge, this variant has not been reported in the literature or in a large population database (gnomAD), indicating this variant is rare. Variants that disrupt the consensus splice donor site in CTNND1 are expected to be pathogenic. This variant is interpreted as likely pathogenic.

NM_001085458.2(CTNND1):c.1604+1G>A

Genes: CTNND1 (catenin delta 1; plus strand), TMX2-CTNND1 (TMX2-CTNND1 readthrough (NMD candidate); plus strand). Cytogenetic location: 11q12.1.
Variant type: single nucleotide variant.
Coding change: c.1604+1G>A on transcript NM_001085458.2 (MANE Select); the canonical splice donor site of the intron after coding-DNA position 1604, G replaced by A.
Molecular consequence: splice donor variant.
Genome position (GRCh38, 1-based): chr11:57,803,805, G>A. VCF-style: chr11-57803805-G-A. GRCh37 (hg19) VCF-style: chr11-57571277-G-A.
Other names: c.1604+1G>A (NM_001206885.2, NM_001085459.2, NM_001085461.2 and 3 more transcripts); c.1442+1G>A (NM_001206891.2, NM_001206889.2, NM_001206883.2 and 4 more transcripts); c.1301+1G>A (NM_001085467.2, NM_001206890.2, NM_001085463.2 and 5 more transcripts).
Identifiers: ClinVar variation 4993796 (VCV004993796.1).
Genomic context (GRCh38, chr11:57,803,805, plus strand): 5'-CTGTAAGCCACGCCACATTGAGTGGGAATCGGTGCTCACCAACACAGCTGGCTGCCTTAG[G>A]TAACAGTAGGGACTTTGAGAATATGAAGATGAATTTTTGAGGACTGACTTAAATTTCCTA-3'